The following is an entry in ClinVar:

ClinVar aggregate classification (germline): Uncertain significance (1 of 4 stars; one submission).

Allele frequency attached by ClinVar (database versions not stated): gnomAD exomes 0.00001; ExAC 0.00002.

Submission:

Labcorp Genetics (formerly Invitae), Labcorp
Classification: Uncertain significance. Last evaluated: 2021-08-14. Review status: criteria provided, single submitter. Criteria: Invitae Variant Classification Sherloc (09022015). Collection method: clinical testing. Allele origin: germline.
Comment: This sequence change replaces valine with isoleucine at codon 360 of the SLC26A3 protein (p.Val360Ile). The valine residue is moderately conserved and there is a small physicochemical difference between valine and isoleucine. This variant is present in population databases (rs565092091, ExAC 0.01%). This variant has not been reported in the literature in individuals affected with SLC26A3-related conditions. Algorithms developed to predict the effect of missense changes on protein structure and function are either unavailable or do not agree on the potential impact of this missense change (SIFT: "Tolerated"; PolyPhen-2: "Probably Damaging"; Align-GVGD: "Class C0"). In summary, the available evidence is currently insufficient to determine the role of this variant in disease. Therefore, it has been classified as a Variant of Uncertain Significance.

NM_000111.3(SLC26A3):c.1078G>A (p.Val360Ile)

Gene: SLC26A3 (solute carrier family 26 member 3; minus strand). Cytogenetic location: 7q22.3.
Variant type: single nucleotide variant.
Coding change: c.1078G>A on transcript NM_000111.3 (MANE Select); coding-DNA position 1078, G replaced by A.
Protein change: p.Val360Ile; replaces valine 360 with isoleucine.
Molecular consequence: missense variant.
Genome position (GRCh38, 1-based): chr7:107,783,246, C>T on the plus strand (G>A on the coding strand, the complement: SLC26A3 is on the minus strand). VCF-style: chr7-107783246-C-T. GRCh37 (hg19) VCF-style: chr7-107423691-C-T.
Other names: short protein forms V360I.
Identifiers: ClinVar variation 1403592 (VCV001403592.5), dbSNP rs565092091, ClinGen allele CA4433946.